The following is an entry in ClinVar:

NM_080680.3(COL11A2):c.2611G>T (p.Gly871Trp)

Gene: COL11A2 (collagen type XI alpha 2 chain; minus strand). Cytogenetic location: 6p21.32.
Variant type: single nucleotide variant.
Coding change: c.2611G>T on transcript NM_080680.3 (MANE Select); coding-DNA position 2611, G replaced by T.
Protein change: p.Gly871Trp; replaces glycine 871 with tryptophan.
Molecular consequence: missense variant.
Genome position (GRCh38, 1-based): chr6:33,173,718, C>A on the plus strand (G>T on the coding strand, the complement: COL11A2 is on the minus strand). VCF-style: chr6-33173718-C-A. GRCh37 (hg19) VCF-style: chr6-33141495-C-A.
Other names: c.2290G>T, p.Gly764Trp (NM_080679.3); c.2353G>T, p.Gly785Trp (NM_080681.3); short protein forms G785W, G764W, G871W.
Identifiers: ClinVar variation 2028260 (VCV002028260.4), dbSNP rs1445359664, ClinGen allele CA363642463.
Genomic context (GRCh38, chr6:33,173,718, plus strand): 5'-CCCTGGGGACCTCAGGGGAAGGGGACTTTCGATCCACACTCACCCTCTCTCCAGGGGGCC[C>A]ATGGGGGCCATCACCACCAGATGTTCCCTGTGGGGGGAAACAGAGTCAAGGAGTGGGAAG-3'
Protein context (NP_542411.2, residues 861-881): KGTSGGDGPH[Gly871Trp]PPGERGLPGP

ClinVar aggregate classification (germline): Uncertain significance (1 of 4 stars; one submission).

Submission:

Labcorp Genetics (formerly Invitae), Labcorp
Classification: Uncertain significance. Last evaluated: 2022-08-21. Review status: criteria provided, single submitter. Criteria: Invitae Variant Classification Sherloc (09022015). Collection method: clinical testing. Allele origin: germline.
Comment: This sequence change replaces glycine, which is neutral and non-polar, with tryptophan, which is neutral and slightly polar, at codon 871 of the COL11A2 protein (p.Gly871Trp). This variant is not present in population databases (gnomAD no frequency). In summary, the available evidence is currently insufficient to determine the role of this variant in disease. Therefore, it has been classified as a Variant of Uncertain Significance. Advanced modeling of protein sequence and biophysical properties (such as structural, functional, and spatial information, amino acid conservation, physicochemical variation, residue mobility, and thermodynamic stability) performed at Invitae indicates that this missense variant is expected to disrupt COL11A2 protein function. This variant has not been reported in the literature in individuals affected with COL11A2-related conditions.